The following is an entry in ClinVar:

NM_001005242.3(PKP2):c.143G>A (p.Gly48Asp)

Gene: PKP2 (plakophilin 2; minus strand). Cytogenetic location: 12p11.21.
Variant type: single nucleotide variant.
Coding change: c.143G>A on transcript NM_001005242.3 (MANE Select); coding-DNA position 143, G replaced by A.
Protein change: p.Gly48Asp; replaces glycine 48 with aspartic acid.
Molecular consequence: missense variant. On other transcripts: 5 prime UTR variant (4).
Genome position (GRCh38, 1-based): chr12:32,896,589, C>T on the plus strand (G>A on the coding strand, the complement: PKP2 is on the minus strand). VCF-style: chr12-32896589-C-T. GRCh37 (hg19) VCF-style: chr12-33049523-C-T.
Other names: c.143G>A, p.Gly48Asp (NM_001407155.1, NM_001407156.1, NM_001407157.1 and 2 more transcripts); c.-684G>A (NM_001407158.1, NM_001407162.1); c.-448G>A (NM_001407159.1, NM_001407160.1); short protein forms G48D.
Identifiers: ClinVar variation 3073265 (VCV003073265.1), dbSNP rs2541384477, ClinGen allele CA384371140.

ClinVar aggregate classification (germline): Uncertain significance (1 of 4 stars; one submission).

Conditions:
Arrhythmogenic right ventricular cardiomyopathy (ARVD). Also called: Arrhythmogenic right ventricular dysplasia; Cardiomyopathy, ARVC; Arrhythmogenic cardiomyopathy; Arrhythmogenic Right Ventricular Cardiomyopathy (ARVC). Identifiers: Orphanet 247, MedGen C0349788, MeSH D019571, MONDO:0016587. Disease mechanism: loss of function. Inheritance: Various modes of inheritance.

Allele frequency attached by ClinVar (database versions not stated): gnomAD exomes below 0.00001.
gnomAD v4.1: 1 of 1,586,678 alleles (0.000063%); highest among the groups gnomAD compares: Non-Finnish European, 0.000085%; no homozygotes.

Submission:

All of Us Research Program, National Institutes of Health
Classification: Uncertain significance for Arrhythmogenic right ventricular cardiomyopathy. Last evaluated: 2023-12-13. Review status: criteria provided, single submitter. Criteria: ACMG Guidelines, 2015. Collection method: clinical testing. Allele origin: germline. Inheritance: Autosomal dominant inheritance. Observed: 2 variant alleles, 2 heterozygotes.
Comment: This missense variant replaces glycine with aspartic acid at codon 48 of the PKP2 protein. Computational prediction suggests that this variant may not impact protein structure and function (internally defined REVEL score threshold <= 0.5, PMID: 27666373). To our knowledge, functional studies have not been reported for this variant. This variant has been reported in one individual affected with arrhythmogenic cardiomyopathy (PMID: 33821670). This variant has not been identified in the general population by the Genome Aggregation Database (gnomAD). The available evidence is insufficient to determine the role of this variant in disease conclusively. Therefore, this variant is classified as a Variant of Uncertain Significance.

This study involves interpretation of variants in research participants for the purpose of population health screening. Participant phenotype was not available at the time of variant classification. Additional details can be found in publication PMID: 35346344, PMCID: PMC8962531

Literature cited by the submitters: PubMed 33821670.